The following is an entry in ClinVar:

ClinVar aggregate classification (germline): Uncertain significance (1 of 4 stars; one submission).

Submission:

Labcorp Genetics (formerly Invitae), Labcorp
Classification: Uncertain significance. Last evaluated: 2023-05-27. Review status: criteria provided, single submitter. Criteria: Invitae Variant Classification Sherloc (09022015). Collection method: clinical testing. Allele origin: germline.
Comment: The frequency data for this variant in the population databases is considered unreliable, as metrics indicate insufficient coverage at this position in the gnomAD database. This sequence change results in a frameshift in the GRIN2D gene (p.Arg1225Profs*113). While this is not anticipated to result in nonsense mediated decay, it is expected to disrupt the last 112 amino acid(s) of the GRIN2D protein and extend the protein by 0 additional amino acid residues. In summary, the available evidence is currently insufficient to determine the role of this variant in disease. Therefore, it has been classified as a Variant of Uncertain Significance. Experimental studies and prediction algorithms are not available or were not evaluated, and the functional significance of this variant is currently unknown. This variant has not been reported in the literature in individuals affected with GRIN2D-related conditions.

NM_000836.4(GRIN2D):c.3655_3673dup (p.Arg1225fs)

Gene: GRIN2D (glutamate ionotropic receptor NMDA type subunit 2D; plus strand). Cytogenetic location: 19q13.33.
Variant type: Duplication.
Coding change: c.3655_3673dup on transcript NM_000836.4 (MANE Select); coding-DNA positions 3655 to 3673, 19 bases duplicated (CTGCCCCGACGCCGGGCCC).
Protein change: p.Arg1225fs; shifts the reading frame from arginine 1225.
Molecular consequence: frameshift variant.
Genome position (GRCh38, 1-based): chr19:48,443,581-48,443,599, CTGCCCCGACGCCGGGCCC duplicated; duplicating any 19 consecutive bases within chr19:48,443,571-48,443,599 gives the same sequence; the c. name uses the placement nearest the transcript's 3' end. VCF-style (leftmost placement, unchanged base first): chr19-48443570-C-CCGCCGGGCCCCTGCCCCGA. GRCh37 (hg19) VCF-style: chr19-48946827-C-CCGCCGGGCCCCTGCCCCGA.
Other names: short protein forms R1225fs.
Identifiers: ClinVar variation 2824600 (VCV002824600.3), dbSNP rs1971336302, ClinGen allele CA2586190705.